The following is an entry in ClinVar:

NM_022437.3(ABCG8):c.1444del (p.Leu482fs)

Gene: ABCG8 (ATP binding cassette subfamily G member 8; plus strand). Cytogenetic location: 2p21.
Variant type: Deletion.
Coding change: c.1444del on transcript NM_022437.3 (MANE Select); coding-DNA position 1444, one base deleted (C; older notation c.1444delC).
Protein change: p.Leu482fs; shifts the reading frame from leucine 482.
Molecular consequence: frameshift variant.
Genome position (GRCh38, 1-based): chr2:43,874,439, C deleted. VCF-style (leftmost placement, unchanged base first): chr2-43874438-AC-A. GRCh37 (hg19) VCF-style: chr2-44101577-AC-A.
Other names: c.1444delC (NM_022437.2); c.1441del, p.Leu481fs (NM_001357321.2); short protein forms L482fs, L481fs.
Identifiers: ClinVar variation 960091 (VCV000960091.4), dbSNP rs748233241, ClinGen allele CA1637458.

ClinVar aggregate classification (germline): Pathogenic. Review status: criteria provided, multiple submitters, no conflicts (2 of 4 stars). 4 submissions from 4 submitters: Pathogenic (4). Last evaluated 2026-08-25.

Conditions:
Sitosterolemia 1. Identifiers: MedGen C2749759, MONDO:0020747, OMIM 210250.
ABCG8-related disorder. Also called: ABCG8-related condition.

Allele frequency attached by ClinVar (database versions not stated): gnomAD 0.00001; ExAC 0.00002; gnomAD exomes 0.00002 and 0.00003.

Submissions (4):

PreventionGenetics, part of Exact Sciences
Classification: Pathogenic for ABCG8-related condition. Last evaluated: 2026-08-25. Review status: criteria provided, single submitter. Criteria: ACMG Guidelines, 2015. Collection method: clinical testing. Allele origin: germline.
Comment: The ABCG8 c.1444delC variant is predicted to result in a frameshift and premature protein termination (p.Leu482Trpfs*40). This variant has been reported in the compound heterozygous state in an individual with sitosterolemia (Kiss et al. 2020. PubMed ID: 33204594). This variant is reported in 0.0044% of alleles in individuals of European (non-Finnish) descent in gnomAD. Frameshift variants in ABCG8 are expected to be pathogenic. This variant is interpreted as pathogenic.

Genomic Medicine Center of Excellence, King Faisal Specialist Hospital and Research Centre
Classification: Pathogenic for Sitosterolemia 1. Last evaluated: 2024-03-29. Review status: criteria provided, single submitter. Criteria: ACMG Guidelines, 2015. Collection method: clinical testing. Allele origin: germline.

GeneDx
Classification: Pathogenic. Last evaluated: 2022-08-24. Review status: criteria provided, single submitter. Criteria: GeneDx Variant Classification Process June 2021. Collection method: clinical testing. Allele origin: germline. Affected: yes.
Comment: Frameshift variant predicted to result in protein truncation or nonsense mediated decay in a gene for which loss of function is a known mechanism of disease; Not observed at significant frequency in large population cohorts (gnomAD); This variant is associated with the following publications: (PMID: 33204594)

Labcorp Genetics (formerly Invitae), Labcorp
Classification: Pathogenic. Last evaluated: 2019-10-31. Review status: criteria provided, single submitter. Criteria: Invitae Variant Classification Sherloc (09022015). Collection method: clinical testing. Allele origin: germline.
Comment: This sequence change creates a premature translational stop signal (p.Leu482Trpfs*40) in the ABCG8 gene. It is expected to result in an absent or disrupted protein product. This variant is present in population databases (rs748233241, ExAC 0.003%). Loss-of-function variants in ABCG8 are known to be pathogenic (PMID: 11452359, 15375183, 16029460). For these reasons, this variant has been classified as Pathogenic.